The following is an entry in ClinVar:

NM_001849.4(COL6A2):c.1263C>T (p.Gly421=)

Gene: COL6A2 (collagen type VI alpha 2 chain; plus strand). Cytogenetic location: 21q22.3.
Variant type: single nucleotide variant.
Coding change: c.1263C>T on transcript NM_001849.4 (MANE Select); coding-DNA position 1263, C replaced by T.
Protein change: p.Gly421=; no amino-acid change (glycine 421 retained).
Molecular consequence: synonymous variant.
Genome position (GRCh38, 1-based): chr21:46,119,113, C>T. VCF-style: chr21-46119113-C-T. GRCh37 (hg19) VCF-style: chr21-47539027-C-T.
Other names: c.1263C>T, p.Gly421= (NM_058174.3, NM_058175.3).
Identifiers: ClinVar variation 648395 (VCV000648395.13), dbSNP rs778836612, ClinGen allele CA10071787.

ClinVar aggregate classification (germline): Conflicting classifications of pathogenicity. Review status: criteria provided, conflicting classifications (1 of 4 stars). 3 submissions from 3 submitters: Uncertain significance (1); Likely benign (2). Last evaluated 2026-04-01.

Conditions:
Bethlem myopathy 1A. Also called: MYOPATHY, BENIGN CONGENITAL, WITH CONTRACTURES; Bethlem myopathy 1; Bethlem Muscular Dystrophy. Identifiers: Orphanet 610, MedGen CN029274, MONDO:0024530, OMIM 158810.

Allele frequency attached by ClinVar (database versions not stated): gnomAD 0.00001; TOPMed 0.00001; ExAC 0.00003; gnomAD exomes 0.00003 and 0.00004.
gnomAD v4.1: 46 of 1,609,854 alleles (0.0029%); highest among the groups gnomAD compares: East Asian, 0.025%; no homozygotes.

Submissions (4):

CeGaT Center for Human Genetics Tuebingen
Classification: Uncertain significance. Last evaluated: 2026-04-01. Review status: criteria provided, single submitter. Criteria: CeGaT Center For Human Genetics Tuebingen Variant Classification Criteria Version 2. Collection method: clinical testing. Allele origin: germline. Affected: yes. Observed: 1 variant allele.
Comment: COL6A2: PP3

Labcorp Genetics (formerly Invitae), Labcorp
Classification: Likely benign for Bethlem myopathy 1A. Last evaluated: 2025-10-02. Review status: criteria provided, single submitter. Criteria: Invitae Variant Classification Sherloc (09022015). Collection method: clinical testing. Allele origin: germline.

Blueprint Genetics
Classification: Likely benign. Last evaluated: 2024-09-05. Review status: criteria provided, single submitter. Criteria: ACMG Guidelines, 2015. Collection method: clinical testing. Allele origin: germline.

Dr. Peter K. Rogan Lab, Western University
No classification provided (evidence only). Condition: Colon adenocarcinoma. Review status: no classification provided. Collection method: in vitro. Allele origin: not applicable. Functional consequence: retained intron. Not counted in ClinVar's aggregate classification.